The following is an entry in ClinVar:

NM_018643.5(TREM1):c.546T>C (p.Asp182=)

Gene: TREM1 (triggering receptor expressed on myeloid cells 1; minus strand). Cytogenetic location: 6p21.1.
Variant type: single nucleotide variant.
Coding change: c.546T>C on transcript NM_018643.5 (MANE Select); coding-DNA position 546, T replaced by C.
Protein change: p.Asp182=; no amino-acid change (aspartic acid 182 retained).
Molecular consequence: synonymous variant. On other transcripts: non-coding transcript variant (1), intron variant (1).
Genome position (GRCh38, 1-based): chr6:41,281,014, A>G on the plus strand (T>C on the coding strand, the complement: TREM1 is on the minus strand). VCF-style: chr6-41281014-A-G. GRCh37 (hg19) VCF-style: chr6-41248752-A-G.
Other names: c.546T>C, p.Asp182= (NM_001242589.3); c.406+1381T>C (NM_001242590.3).
Identifiers: ClinVar variation 2656543 (VCV002656543.24), dbSNP rs2234240, ClinGen allele CA3799727.

ClinVar aggregate classification (germline): Likely benign (1 of 4 stars; one submission).

Allele frequency attached by ClinVar (database versions not stated): gnomAD exomes 0.00197; ExAC 0.00279; gnomAD 0.00349; 1000 Genomes Project 0.00379; 1000 Genomes Project 30x 0.00406; ESP Exome Variant Server 0.00408; TOPMed 0.00437.
gnomAD v4.1: 3,630 of 1,614,244 alleles (0.22%); highest among the groups gnomAD compares: Middle Eastern, 1.9%; 30 homozygotes.

Submission:

CeGaT Center for Human Genetics Tuebingen
Classification: Likely benign. Last evaluated: 2023-01-01. Review status: criteria provided, single submitter. Criteria: CeGaT Center For Human Genetics Tuebingen Variant Classification Criteria Version 2. Collection method: clinical testing. Allele origin: germline. Affected: yes. Observed: 1 variant allele.
Comment: TREM1: BP4, BP7, BS2